The following is an entry in ClinVar:

NM_000516.7(GNAS):c.-30_-4del

Gene: GNAS (GNAS complex locus; plus strand). Cytogenetic location: 20q13.32.
Variant type: Deletion.
Coding change: c.-30_-4del on transcript NM_000516.7 (MANE Select); 30 bases upstream of the start codon through 4 bases upstream of the start codon, 27 bases deleted (CGGCCGCGCCCCGCCGCCGCCGCCGCC).
Molecular consequence: 5 prime UTR variant. On other transcripts: intron variant (8).
Genome position (GRCh38, 1-based): chr20:58,891,697-58,891,723, CGGCCGCGCCCCGCCGCCGCCGCCGCC deleted; deleting any 27 consecutive bases within chr20:58,891,694-58,891,723 gives the same sequence; the c. name uses the placement nearest the transcript's 3' end. VCF-style (leftmost placement, unchanged base first): chr20-58891693-AGCCCGGCCGCGCCCCGCCGCCGCCGCC-A. GRCh37 (hg19) VCF-style: chr20-57466748-AGCCCGGCCGCGCCCCGCCGCCGCCGCC-A.
Other names: c.-30_-4del (NM_001077488.5, NM_001077489.4, NM_001309842.2 and 1 more transcripts); c.*43-3915_*43-3889del (NM_016592.5); c.44-3915_44-3889del (NM_001410912.1); c.-38-3915_-38-3889del (NM_001309861.2); c.*1-3915_*1-3889del (NM_001077490.3); c.2069-3915_2069-3889del (NM_080425.4, NM_001410913.1); c.*159-3915_*159-3889del (NM_001309883.1); c.-39+2344_-39+2370del (NM_001309840.2).
Identifiers: ClinVar variation 3349125 (VCV003349125.1).

ClinVar aggregate classification (germline): Likely benign (0 of 4 stars; one submission).

Conditions:
GNAS-related disorder. Identifiers: MedGen CN380105.

Submission:

PreventionGenetics, part of Exact Sciences
Classification: Likely benign for GNAS-related condition. Last evaluated: 2020-02-04. Review status: no assertion criteria provided. Collection method: clinical testing. Allele origin: germline.
Comment: This variant is classified as likely benign based on ACMG/AMP sequence variant interpretation guidelines (Richards et al. 2015 PMID: 25741868, with internal and published modifications).